The following is an entry in ClinVar:

NM_001399.5(EDA):c.1029C>G (p.Tyr343Ter)

Gene: EDA (ectodysplasin A; plus strand). Cytogenetic location: Xq13.1.
Variant type: single nucleotide variant.
Coding change: c.1029C>G on transcript NM_001399.5 (MANE Select); coding-DNA position 1029, C replaced by G.
Protein change: p.Tyr343Ter; replaces tyrosine 343 with a stop codon.
Molecular consequence: nonsense.
Genome position (GRCh38, 1-based): chrX:70,035,462, C>G. VCF-style: chrX-70035462-C-G. GRCh37 (hg19) VCF-style: chrX-69255312-C-G.
Other names: c.1023C>G, p.Tyr341Ter (NM_001005609.2); c.1014C>G, p.Tyr338Ter (NM_001005612.3); short protein forms Y341*, Y343*, Y338*.
Identifiers: ClinVar variation 2767492 (VCV002767492.3), dbSNP rs2520346923, ClinGen allele CA413449944.
Genomic context (GRCh38, chrX:70,035,462, plus strand): 5'-GGTGGATGAGAAGCCCTTCCTGCAGTGCACACGCAGCATCGAGACGGGCAAGACCAACTA[C>G]AACACTTGCTATACCGCAGGCGTCTGCCTCCTCAAGGCCCGGCAGAAGATCGCCGTCAAG-3'

ClinVar aggregate classification (germline): Pathogenic (1 of 4 stars; one submission).

Conditions:
Hypohidrotic X-linked ectodermal dysplasia (XHED). Also called: ECTODERMAL DYSPLASIA 1; Anhidrotic ectodermal dysplasia X-linked; Christ Siemens Touraine syndrome; ECTODERMAL DYSPLASIA 1, HYPOHIDROTIC, X-LINKED; ECTODERMAL DYSPLASIA 1, HYPOHIDROTIC/HAIR/TOOTH TYPE, X-LINKED; ECTODERMAL DYSPLASIA, HYPOHIDROTIC, 1. Identifiers: Orphanet 181, Orphanet 238468, MedGen C0162359, MONDO:0010585, OMIM 305100.

Submission:

Labcorp Genetics (formerly Invitae), Labcorp
Classification: Pathogenic for Hypohidrotic X-linked ectodermal dysplasia. Last evaluated: 2023-11-10. Review status: criteria provided, single submitter. Criteria: Invitae Variant Classification Sherloc (09022015). Collection method: clinical testing. Allele origin: germline.
Comment: This sequence change creates a premature translational stop signal (p.Tyr343*) in the EDA gene. While this is not anticipated to result in nonsense mediated decay, it is expected to disrupt the last 49 amino acid(s) of the EDA protein. This variant is not present in population databases (gnomAD no frequency). This variant has not been reported in the literature in individuals affected with EDA-related conditions. This variant disrupts a region of the EDA protein in which other variant(s) (p.Ala349Thr) have been determined to be pathogenic (PMID: 9683615, 15461765). This suggests that this is a clinically significant region of the protein, and that variants that disrupt it are likely to be disease-causing. For these reasons, this variant has been classified as Pathogenic.

Literature cited by the submitters: PubMed 9683615; PubMed 15461765.